The following is an entry in ClinVar:

ClinVar aggregate classification (germline): Pathogenic (1 of 4 stars; one submission).

Submission:

Labcorp Genetics (formerly Invitae), Labcorp
Classification: Pathogenic. Last evaluated: 2022-11-28. Review status: criteria provided, single submitter. Criteria: Invitae Variant Classification Sherloc (09022015). Collection method: clinical testing. Allele origin: germline.
Comment: This sequence change creates a premature translational stop signal (p.Ala40Profs*4) in the IDH3B gene. It is expected to result in an absent or disrupted protein product. Loss-of-function variants in IDH3B are known to be pathogenic (PMID: 18806796). This variant is not present in population databases (gnomAD no frequency). For these reasons, this variant has been classified as Pathogenic. Algorithms developed to predict the effect of sequence changes on RNA splicing suggest that this variant may disrupt the consensus splice site. This variant has not been reported in the literature in individuals affected with IDH3B-related conditions.

Literature cited by the submitters: PubMed 18806796.

NC_000020.11:g.2663759del

Gene: IDH3B (isocitrate dehydrogenase (NAD(+)) 3 non-catalytic subunit beta; minus strand). Cytogenetic location: 20p13.
Variant type: Deletion.
Genome position: GRCh38 VCF-style: chr20-2663757-GC-G. GRCh37 (hg19) VCF-style: chr20-2644403-GC-G.
Identifiers: ClinVar variation 2817124 (VCV002817124.3), dbSNP rs2086993116, ClinGen allele CA2346209329.